The following is an entry in ClinVar:

NM_000465.4(BARD1):c.2204A>C (p.Gln735Pro)

Gene: BARD1 (BRCA1 associated RING domain 1; minus strand). Cytogenetic location: 2q35.
Variant type: single nucleotide variant.
Coding change: c.2204A>C on transcript NM_000465.4 (MANE Select); coding-DNA position 2204, A replaced by C.
Protein change: p.Gln735Pro; replaces glutamine 735 with proline.
Molecular consequence: missense variant. On other transcripts: non-coding transcript variant (3).
Genome position (GRCh38, 1-based): chr2:214,728,806, T>G on the plus strand (A>C on the coding strand, the complement: BARD1 is on the minus strand). VCF-style: chr2-214728806-T-G. GRCh37 (hg19) VCF-style: chr2-215593530-T-G.
Other names: c.2147A>C, p.Gln716Pro (NM_001282543.2); c.851A>C, p.Gln284Pro (NM_001282545.2); c.794A>C, p.Gln265Pro (NM_001282548.2); c.665A>C, p.Gln222Pro (NM_001282549.2); short protein forms Q222P, Q265P, Q735P, Q284P, Q716P.
Identifiers: ClinVar variation 943857 (VCV000943857.11), dbSNP rs1692206255, ClinGen allele CA350450233.

ClinVar aggregate classification (germline): Uncertain significance. Review status: criteria provided, multiple submitters, no conflicts (2 of 4 stars). 2 submissions from 2 submitters: Uncertain significance (2). Last evaluated 2024-09-23.

Conditions:
Hereditary cancer-predisposing syndrome. Also called: Neoplastic Syndromes, Hereditary; Hereditary Cancer Syndrome; Tumor predisposition; Hereditary neoplastic syndrome. Identifiers: Orphanet 140162, MedGen C0027672, MeSH D009386, MONDO:0015356.
Familial cancer of breast. Also called: hereditary breast carcinoma; BREAST CANCER, FAMILIAL; Hereditary breast cancer. Identifiers: Orphanet 227535, MedGen C0346153, MONDO:0016419, OMIM 114480. Disease mechanism: loss of function.

Submissions (2):

Labcorp Genetics (formerly Invitae), Labcorp
Classification: Uncertain significance for Familial cancer of breast. Last evaluated: 2024-09-23. Review status: criteria provided, single submitter. Criteria: Invitae Variant Classification Sherloc (09022015). Collection method: clinical testing. Allele origin: germline.
Comment: This sequence change replaces glutamine, which is neutral and polar, with proline, which is neutral and non-polar, at codon 735 of the BARD1 protein (p.Gln735Pro). This variant is not present in population databases (gnomAD no frequency). This variant has not been reported in the literature in individuals affected with BARD1-related conditions. ClinVar contains an entry for this variant (Variation ID: 943857). An algorithm developed to predict the effect of missense changes on protein structure and function (PolyPhen-2) suggests that this variant is likely to be disruptive. In summary, the available evidence is currently insufficient to determine the role of this variant in disease. Therefore, it has been classified as a Variant of Uncertain Significance.

Ambry Genetics
Classification: Uncertain significance for Hereditary cancer-predisposing syndrome. Last evaluated: 2021-06-21. Review status: criteria provided, single submitter. Criteria: Ambry Variant Classification Scheme 2023. Collection method: clinical testing. Allele origin: germline.
Comment: The p.Q735P variant (also known as c.2204A>C), located in coding exon 11 of the BARD1 gene, results from an A to C substitution at nucleotide position 2204. The glutamine at codon 735 is replaced by proline, an amino acid with similar properties. This amino acid position is conserved. In addition, this alteration is predicted to be deleterious by in silico analysis. Since supporting evidence is limited at this time, the clinical significance of this alteration remains unclear.